The following is an entry in ClinVar:

NM_001308093.3(GATA4):c.611A>T (p.Asn204Ile)

Gene: GATA4 (GATA binding protein 4). Cytogenetic location: 8p23.1.
Variant type: single nucleotide variant.
Coding change: c.611A>T on transcript NM_001308093.3 (MANE Select); coding-DNA position 611, A replaced by T.
Protein change: p.Asn204Ile; replaces asparagine 204 with isoleucine.
Molecular consequence: missense variant. On other transcripts: intron variant (3).
Genome position (GRCh38, 1-based): chr8:11,708,923, A>T. VCF-style: chr8-11708923-A-T. GRCh37 (hg19) VCF-style: chr8-11566432-A-T.
Other names: c.611A>T, p.Asn204Ile (NM_002052.5); c.-6+8145A>T (NM_001308094.2); c.-3+909A>T (NM_001374274.1); c.-3+4619A>T (NM_001374273.1); short protein forms N204I.
Identifiers: ClinVar variation 3221997 (VCV003221997.3), dbSNP rs562967066, ClinGen allele CA370309987.
Genomic context (GRCh38, chr8:11,708,923, plus strand): 5'-TCGACAGCCCGGTCCTGCACAGCCTGCCCGGCCGGGCCAACCCGGCCGCCCGACACCCCA[A>T]TCTCGGTGAGTAGGAGCGCGAGGGCTGGGGCGCGTGAGGGCCGGGGCAGGGGCCGTCTTG-3'
Protein context (NP_001295022.1, residues 194-214): GRANPAARHP[Asn204Ile]LVDMFDDFSE

ClinVar aggregate classification (germline): Uncertain significance. Review status: criteria provided, multiple submitters, no conflicts (2 of 4 stars). 2 submissions from 2 submitters: Uncertain significance (2). Last evaluated 2024-10-22.

Conditions:
Cardiovascular phenotype. Identifiers: MedGen CN230736.
Atrioventricular septal defect 4 (AVSD4). Identifiers: MedGen C3280781, MONDO:0013747, OMIM 614430.

Submissions (2):

Labcorp Genetics (formerly Invitae), Labcorp
Classification: Uncertain significance for Atrioventricular septal defect 4. Last evaluated: 2024-10-22. Review status: criteria provided, single submitter. Criteria: Invitae Variant Classification Sherloc (09022015). Collection method: clinical testing. Allele origin: germline.
Comment: This sequence change replaces asparagine, which is neutral and polar, with isoleucine, which is neutral and non-polar, at codon 204 of the GATA4 protein (p.Asn204Ile). This variant is not present in population databases (gnomAD no frequency). This variant has not been reported in the literature in individuals affected with GATA4-related conditions. Invitae Evidence Modeling of protein sequence and biophysical properties (such as structural, functional, and spatial information, amino acid conservation, physicochemical variation, residue mobility, and thermodynamic stability) has been performed for this missense variant. However, the output from this modeling did not meet the statistical confidence thresholds required to predict the impact of this variant on GATA4 protein function. In summary, the available evidence is currently insufficient to determine the role of this variant in disease. Therefore, it has been classified as a Variant of Uncertain Significance.

Ambry Genetics
Classification: Uncertain significance for Cardiovascular phenotype. Last evaluated: 2023-12-03. Review status: criteria provided, single submitter. Criteria: Ambry Variant Classification Scheme 2023. Collection method: clinical testing. Allele origin: germline.
Comment: The p.N204I variant (also known as c.611A>T), located in coding exon 1 of the GATA4 gene, results from an A to T substitution at nucleotide position 611. The asparagine at codon 204 is replaced by isoleucine, an amino acid with dissimilar properties. This amino acid position is conserved. In addition, the in silico prediction for this alteration is inconclusive. Since supporting evidence is limited at this time, the clinical significance of this alteration remains unclear.